The following is an entry in ClinVar:

ClinVar aggregate classification (germline): Uncertain significance (1 of 4 stars; one submission).

Conditions:
Cardiovascular phenotype. Identifiers: MedGen CN230736.

Allele frequency attached by ClinVar (database versions not stated): gnomAD exomes below 0.00001.

Submission:

Ambry Genetics
Classification: Uncertain significance for Cardiovascular phenotype. Last evaluated: 2018-02-07. Review status: criteria provided, single submitter. Criteria: Ambry Variant Classification Scheme 2023. Collection method: clinical testing. Allele origin: germline.
Comment: The p.L752R variant (also known as c.2255T>G), located in coding exon 11 of the PKP2 gene, results from a T to G substitution at nucleotide position 2255. The leucine at codon 752 is replaced by arginine, an amino acid with dissimilar properties. This amino acid position is highly conserved in available vertebrate species. In addition, this alteration is predicted to be deleterious by in silico analysis. Since supporting evidence is limited at this time, the clinical significance of this alteration remains unclear.

NM_001005242.3(PKP2):c.2123T>G (p.Leu708Arg)

Gene: PKP2 (plakophilin 2; minus strand). Cytogenetic location: 12p11.21.
Variant type: single nucleotide variant.
Coding change: c.2123T>G on transcript NM_001005242.3 (MANE Select); coding-DNA position 2123, T replaced by G.
Protein change: p.Leu708Arg; replaces leucine 708 with arginine.
Molecular consequence: missense variant.
Genome position (GRCh38, 1-based): chr12:32,802,447, A>C on the plus strand (T>G on the coding strand, the complement: PKP2 is on the minus strand). VCF-style: chr12-32802447-A-C. GRCh37 (hg19) VCF-style: chr12-32955381-A-C.
Other names: c.2123T>G, p.Leu708Arg (NM_001407155.1); c.1958T>G, p.Leu653Arg (NM_001407156.1); c.1796T>G, p.Leu599Arg (NM_001407158.1, NM_001407159.1, NM_001407160.1); c.2255T>G, p.Leu752Arg (NM_004572.4); short protein forms L599R, L752R, L653R, L708R.
Identifiers: ClinVar variation 1788520 (VCV001788520.2), dbSNP rs2541200546, ClinGen allele CA384359457.